The following is an entry in ClinVar:

ClinVar aggregate classification (germline): Uncertain significance. Review status: criteria provided, multiple submitters, no conflicts (2 of 4 stars). 2 submissions from 2 submitters: Uncertain significance (2). Last evaluated 2024-03-30.

Conditions:
Hereditary pheochromocytoma and paraganglioma. Also called: Hereditary paragangliomas and pheochromocytomas; Hereditary Paraganglioma-Pheochromocytoma Syndromes; Hereditary pheochromocytoma-paraganglioma. Identifiers: Orphanet 29072, MedGen C4274332, MONDO:0017366.
Hereditary cancer-predisposing syndrome. Also called: Tumor predisposition; Hereditary Cancer Syndrome; Hereditary neoplastic syndrome; Neoplastic Syndromes, Hereditary. Identifiers: Orphanet 140162, MedGen C0027672, MeSH D009386, MONDO:0015356.

Allele frequency attached by ClinVar (database versions not stated): gnomAD exomes below 0.00001; TOPMed below 0.00001.
gnomAD v4.1: 1 of 1,614,210 alleles (0.000062%); no homozygotes.

Submissions (2):

Ambry Genetics
Classification: Uncertain significance for Hereditary cancer-predisposing syndrome. Last evaluated: 2024-03-30. Review status: criteria provided, single submitter. Criteria: Ambry Variant Classification Scheme 2023. Collection method: clinical testing. Allele origin: germline.
Comment: The p.V28M variant (also known as c.82G>A), located in coding exon 2 of the SDHAF2 gene, results from a G to A substitution at nucleotide position 82. The valine at codon 28 is replaced by methionine, an amino acid with highly similar properties. This amino acid position is conserved. In addition, this alteration is predicted to be tolerated by in silico analysis. Based on the available evidence, the clinical significance of this alteration remains unclear.

Labcorp Genetics (formerly Invitae), Labcorp
Classification: Uncertain significance for Hereditary pheochromocytoma and paraganglioma. Last evaluated: 2024-01-11. Review status: criteria provided, single submitter. Criteria: Invitae Variant Classification Sherloc (09022015). Collection method: clinical testing. Allele origin: germline.
Comment: This sequence change replaces valine, which is neutral and non-polar, with methionine, which is neutral and non-polar, at codon 28 of the SDHAF2 protein (p.Val28Met). This variant is present in population databases (no rsID available, gnomAD 0.004%). This variant has not been reported in the literature in individuals affected with SDHAF2-related conditions. ClinVar contains an entry for this variant (Variation ID: 1389747). Algorithms developed to predict the effect of missense changes on protein structure and function output the following: SIFT: "Not Available"; PolyPhen-2: "Benign"; Align-GVGD: "Not Available". The methionine amino acid residue is found in multiple mammalian species, which suggests that this missense change does not adversely affect protein function. In summary, the available evidence is currently insufficient to determine the role of this variant in disease. Therefore, it has been classified as a Variant of Uncertain Significance.

NM_017841.4(SDHAF2):c.82G>A (p.Val28Met)

Gene: SDHAF2 (succinate dehydrogenase complex assembly factor 2; plus strand). Cytogenetic location: 11q12.2.
Variant type: single nucleotide variant.
Coding change: c.82G>A on transcript NM_017841.4 (MANE Select); coding-DNA position 82, G replaced by A.
Protein change: p.Val28Met; replaces valine 28 with methionine.
Molecular consequence: missense variant.
Genome position (GRCh38, 1-based): chr11:61,437,670, G>A. VCF-style: chr11-61437670-G-A. GRCh37 (hg19) VCF-style: chr11-61205142-G-A.
Other names: c.82G>A (NM_017841.2); short protein forms V28M.
Identifiers: ClinVar variation 1389747 (VCV001389747.7), dbSNP rs1303104521, ClinGen allele CA380682945.